The following is an entry in ClinVar:

NM_022763.4(FNDC3B):c.1971+10G>A

Gene: FNDC3B (fibronectin type III domain containing 3B; plus strand). Cytogenetic location: 3q26.31.
Variant type: single nucleotide variant.
Coding change: c.1971+10G>A on transcript NM_022763.4 (MANE Select); 10 bases into the intron after coding-DNA position 1971, G replaced by A.
Molecular consequence: intron variant.
Genome position (GRCh38, 1-based): chr3:172,341,241, G>A. VCF-style: chr3-172341241-G-A. GRCh37 (hg19) VCF-style: chr3-172059031-G-A.
Other names: c.1971+10G>A (NM_001135095.2, NM_022763.3).
Identifiers: ClinVar variation 782437 (VCV000782437.6), dbSNP rs112342266, ClinGen allele CA2705886.

ClinVar aggregate classification (germline): Benign. Review status: criteria provided, multiple submitters, no conflicts (2 of 4 stars). 3 submissions from 3 submitters: Benign (2). 1 of the submissions does not count toward it. Last evaluated 2018-07-23.

Conditions:
FNDC3B-related disorder. Also called: FNDC3B-related condition.

Allele frequency attached by ClinVar (database versions not stated): gnomAD exomes 0.00437 and 0.00281; gnomAD 0.01037 and 0.01087; 1000 Genomes Project 0.01078; ExAC 0.00458; ESP Exome Variant Server 0.01076; TOPMed 0.01113; 1000 Genomes Project 30x 0.01280.
gnomAD v4.1: 5,703 of 1,587,446 alleles (0.36%); highest among the groups gnomAD compares: African/African-American, 3%; 42 homozygotes.

Submissions (3):

Labcorp Genetics (formerly Invitae), Labcorp
Classification: Benign. Last evaluated: 2018-07-23. Review status: criteria provided, single submitter. Criteria: Invitae Variant Classification Sherloc (09022015). Collection method: clinical testing. Allele origin: germline.

Breakthrough Genomics
Classification: Benign. Review status: criteria provided, single submitter. Criteria: ACMG Guidelines, 2015. Collection method: not provided. Allele origin: germline. Inheritance: Unknown mechanism. Affected: yes.

PreventionGenetics, part of Exact Sciences
Classification: Benign for FNDC3B-related condition. Last evaluated: 2019-12-23. Review status: no assertion criteria provided. Collection method: clinical testing. Allele origin: germline. Not counted in ClinVar's aggregate classification.
Comment: This variant is classified as benign based on ACMG/AMP sequence variant interpretation guidelines (Richards et al. 2015 PMID: 25741868, with internal and published modifications).